The following is an entry in ClinVar:

NM_003896.4(ST3GAL5):c.*482G>A

Gene: ST3GAL5 (ST3 beta-galactoside alpha-2,3-sialyltransferase 5; minus strand). Cytogenetic location: 2p11.2.
Variant type: single nucleotide variant.
Coding change: c.*482G>A on transcript NM_003896.4 (MANE Select); 482 bases downstream of the stop codon, G replaced by A.
Molecular consequence: 3 prime UTR variant.
Genome position (GRCh38, 1-based): chr2:85,839,662, C>T on the plus strand (G>A on the coding strand, the complement: ST3GAL5 is on the minus strand). VCF-style: chr2-85839662-C-T. GRCh37 (hg19) VCF-style: chr2-86066785-C-T.
Other names: c.*482G>A (NM_001042437.2, NM_001354223.2, NM_001354224.2 and 9 more transcripts).
Identifiers: ClinVar variation 337324 (VCV000337324.5), dbSNP rs115544178, ClinGen allele CA10616207.

ClinVar aggregate classification (germline): Benign (1 of 4 stars; one submission).

Conditions:
GM3 synthase deficiency (SPDRS). Also called: SALT AND PEPPER DEVELOPMENTAL REGRESSION SYNDROME; AMISH INFANTILE EPILEPSY SYNDROME; SALT AND PEPPER MENTAL RETARDATION SYNDROME. Identifiers: Orphanet 171714, Orphanet 370933, MedGen C1836824, MONDO:0018274, OMIM 609056.

Allele frequency attached by ClinVar (database versions not stated): gnomAD exomes 0.00035; 1000 Genomes Project 0.00459; 1000 Genomes Project 30x 0.00468; gnomAD 0.00499 and 0.00535; TOPMed 0.00567.
gnomAD v4.1: 784 of 241,448 alleles (0.32%); highest among the groups gnomAD compares: African/African-American, 1.6%; 7 homozygotes.

Submission:

Illumina Laboratory Services, Illumina
Classification: Benign for GM3 synthase deficiency. Last evaluated: 2018-01-12. Review status: criteria provided, single submitter. Criteria: ICSL Variant Classification Criteria 13 December 2019. Collection method: clinical testing. Allele origin: germline.
Comment: This variant was observed in the ICSL laboratory as part of a predisposition screen in an ostensibly healthy population. It had not been previously curated by ICSL or reported in the Human Gene Mutation Database (HGMD: prior to June 1st, 2018), and was therefore a candidate for classification through an automated scoring system. Utilizing variant allele frequency, disease prevalence and penetrance estimates, and inheritance mode, an automated score was calculated to assess if this variant is too frequent to cause the disease. Based on the score and internal cut-off values, a variant classified as benign is not then subjected to further curation. The score for this variant resulted in a classification of benign for this disease.